The following is an entry in ClinVar:

NC_000003.12:g.(?_45826314)_(46021947_?)dup

Genes: CCR9 (C-C motif chemokine receptor 9; plus strand), CXCR6 (C-X-C motif chemokine receptor 6; plus strand), FYCO1 (FYVE and coiled-coil domain autophagy adaptor 1; minus strand), LZTFL1 (leucine zipper transcription factor like 1; minus strand), XCR1 (X-C motif chemokine receptor 1; minus strand). Cytogenetic location: 3p21.31.
Variant type: Duplication.
Identifiers: ClinVar variation 832190 (VCV000832190.5).

ClinVar aggregate classification (germline): Uncertain significance (1 of 4 stars; one submission).

Submission:

Labcorp Genetics (formerly Invitae), Labcorp
Classification: Uncertain significance. Last evaluated: 2019-10-29. Review status: criteria provided, single submitter. Criteria: Invitae Variant Classification Sherloc (09022015). Collection method: clinical testing. Allele origin: germline.
Comment: In summary, the available evidence is currently insufficient to determine the role of this variant in disease. Therefore, it has been classified as a Variant of Uncertain Significance. Experimental studies and prediction algorithms are not available or were not evaluated, and the functional significance of this variant is currently unknown. This variant has not been reported in the literature in individuals with LZTFL1-related conditions. This variant results in a copy number gain of the genomic region encompassing the full coding sequence of the LZTFL1 gene. The boundaries of this event are unknown as they extend beyond the assayed region for this gene and therefore may encompass additional genes. As the precise location of this event is unknown, it may be in tandem or it may be located elsewhere in the genome.